The following is an entry in ClinVar:

NM_012452.3(TNFRSF13B):c.776G>A (p.Trp259Ter)

Gene: TNFRSF13B (TNF receptor superfamily member 13B; minus strand). Cytogenetic location: 17p11.2.
Variant type: single nucleotide variant.
Coding change: c.776G>A on transcript NM_012452.3 (MANE Select); coding-DNA position 776, G replaced by A.
Protein change: p.Trp259Ter; replaces tryptophan 259 with a stop codon.
Molecular consequence: nonsense.
Genome position (GRCh38, 1-based): chr17:16,939,653, C>T on the plus strand (G>A on the coding strand, the complement: TNFRSF13B is on the minus strand). VCF-style: chr17-16939653-C-T. GRCh37 (hg19) VCF-style: chr17-16842967-C-T.
Other names: short protein forms W259*.
Identifiers: ClinVar variation 653420 (VCV000653420.10), dbSNP rs764387835, ClinGen allele CA8413851.

ClinVar aggregate classification (germline): Conflicting classifications of pathogenicity. Review status: criteria provided, conflicting classifications (1 of 4 stars). 4 submissions from 4 submitters: Likely pathogenic (2); Uncertain significance (2). Last evaluated 2026-03-01.

Conditions:
Immunodeficiency, common variable, 2 (CVID2). Also called: HYPOGAMMAGLOBULINEMIA DUE TO TACI DEFICIENCY; ANTIBODY DEFICIENCY DUE TO TACI DEFECT. Identifiers: Orphanet 1572, MedGen C3150354, MONDO:0009413, OMIM 240500.

Allele frequency attached by ClinVar (database versions not stated): gnomAD 0.00001; TOPMed 0.00001.

Submissions (4):

CeGaT Center for Human Genetics Tuebingen
Classification: Likely pathogenic. Last evaluated: 2026-03-01. Review status: criteria provided, single submitter. Criteria: CeGaT Center For Human Genetics Tuebingen Variant Classification Criteria Version 2. Collection method: clinical testing. Allele origin: germline. Affected: yes. Observed: 2 variant alleles.
Comment: TNFRSF13B: PVS1:Strong, PM2

Institute of Immunology and Genetics Kaiserslautern
Classification: Likely pathogenic for Immunodeficiency, common variable, 2. Last evaluated: 2025-11-13. Review status: criteria provided, single submitter. Criteria: ACMG Guidelines, 2015. Collection method: clinical testing. Allele origin: germline. Affected: yes.
Comment: ACMG Criteria: PVS1, PM2; Variant was found in heterozygous state.

Blueprint Genetics
Classification: Uncertain significance. Last evaluated: 2024-05-21. Review status: criteria provided, single submitter. Criteria: ACMG Guidelines, 2015. Collection method: clinical testing. Allele origin: germline.

Labcorp Genetics (formerly Invitae), Labcorp
Classification: Uncertain significance for Immunodeficiency, common variable, 2. Last evaluated: 2023-06-23. Review status: criteria provided, single submitter. Criteria: Invitae Variant Classification Sherloc (09022015). Collection method: clinical testing. Allele origin: germline.
Comment: In summary, the available evidence is currently insufficient to determine the role of this variant in disease. Therefore, it has been classified as a Variant of Uncertain Significance. Experimental studies and prediction algorithms are not available or were not evaluated, and the functional significance of this variant is currently unknown. ClinVar contains an entry for this variant (Variation ID: 653420). This variant has not been reported in the literature in individuals affected with TNFRSF13B-related conditions. This variant is present in population databases (rs764387835, gnomAD 0.005%). This sequence change creates a premature translational stop signal (p.Trp259*) in the TNFRSF13B gene. While this is not anticipated to result in nonsense mediated decay, it is expected to disrupt the last 35 amino acid(s) of the TNFRSF13B protein.